The following is an entry in ClinVar:

ClinVar aggregate classification (germline): Uncertain significance. Review status: criteria provided, multiple submitters, no conflicts (2 of 4 stars). 3 submissions from 3 submitters: Uncertain significance (3). Last evaluated 2025-12-15.

Conditions:
Inborn genetic diseases. Identifiers: MedGen C0950123, MeSH D030342.
Vici syndrome (VICIS). Identifiers: Orphanet 1493, MedGen C1855772, MONDO:0009452, OMIM 242840.

Allele frequency attached by ClinVar (database versions not stated): gnomAD exomes 0.00001 and 0.00005; ExAC 0.00006; 1000 Genomes Project 30x 0.00016; gnomAD 0.00018 and 0.00021; TOPMed 0.00018; 1000 Genomes Project 0.00020; ESP Exome Variant Server 0.00025.
gnomAD v4.1: 49 of 1,613,856 alleles (0.003%); highest among the groups gnomAD compares: African/African-American, 0.049%; no homozygotes.

Submissions (3):

Ambry Genetics
Classification: Uncertain significance for Inborn genetic diseases. Last evaluated: 2025-12-15. Review status: criteria provided, single submitter. Criteria: Ambry Variant Classification Scheme 2023. Collection method: clinical testing. Allele origin: germline.

Labcorp Genetics (formerly Invitae), Labcorp
Classification: Uncertain significance for Vici syndrome. Last evaluated: 2024-10-26. Review status: criteria provided, single submitter. Criteria: Invitae Variant Classification Sherloc (09022015). Collection method: clinical testing. Allele origin: germline.
Comment: This sequence change replaces serine, which is neutral and polar, with cysteine, which is neutral and slightly polar, at codon 1385 of the EPG5 protein (p.Ser1385Cys). This variant is present in population databases (rs200040634, gnomAD 0.03%). This variant has not been reported in the literature in individuals affected with EPG5-related conditions. ClinVar contains an entry for this variant (Variation ID: 948400). Invitae Evidence Modeling of protein sequence and biophysical properties (such as structural, functional, and spatial information, amino acid conservation, physicochemical variation, residue mobility, and thermodynamic stability) indicates that this missense variant is not expected to disrupt EPG5 protein function with a negative predictive value of 80%. In summary, the available evidence is currently insufficient to determine the role of this variant in disease. Therefore, it has been classified as a Variant of Uncertain Significance.

Breakthrough Genomics
Classification: Uncertain significance. Review status: criteria provided, single submitter. Criteria: ACMG Guidelines, 2015. Collection method: not provided. Allele origin: germline. Inheritance: Autosomal recessive inheritance. Affected: yes.

NM_020964.3(EPG5):c.4154C>G (p.Ser1385Cys)

Gene: EPG5 (ectopic P-granules 5 autophagy tethering factor; minus strand). Cytogenetic location: 18q21.1.
Variant type: single nucleotide variant.
Coding change: c.4154C>G on transcript NM_020964.3 (MANE Select); coding-DNA position 4154, C replaced by G.
Protein change: p.Ser1385Cys; replaces serine 1385 with cysteine.
Molecular consequence: missense variant.
Genome position (GRCh38, 1-based): chr18:45,910,572, G>C on the plus strand (C>G on the coding strand, the complement: EPG5 is on the minus strand). VCF-style: chr18-45910572-G-C. GRCh37 (hg19) VCF-style: chr18-43490537-G-C.
Other names: short protein forms S1385C.
Identifiers: ClinVar variation 948400 (VCV000948400.11), dbSNP rs200040634, ClinGen allele CA8948974.
Genomic context (GRCh38, chr18:45,910,572, plus strand): 5'-CATACTCACCTCACCAGCTCCTTGTGCAGTTCTGGTGAAGTCAGGTAACCAGGGGTGCCA[G>C]AGTGGCTCTCTGGCAGCCCTTCACTGCCCTCTGCTGGAACACGGAGGGCCTTGCTTGCAG-3'
Protein context (NP_066015.2, residues 1375-1395): EGSEGLPESH[Ser1385Cys]GTPGYLTSPE